The following is an entry in ClinVar:

NM_001130823.3(DNMT1):c.2186C>A (p.Pro729Gln)

Gene: DNMT1 (DNA methyltransferase 1; minus strand). Cytogenetic location: 19p13.2.
Variant type: single nucleotide variant.
Coding change: c.2186C>A on transcript NM_001130823.3 (MANE Select); coding-DNA position 2186, C replaced by A.
Protein change: p.Pro729Gln; replaces proline 729 with glutamine.
Molecular consequence: missense variant.
Genome position (GRCh38, 1-based): chr19:10,151,477, G>T on the plus strand (C>A on the coding strand, the complement: DNMT1 is on the minus strand). VCF-style: chr19-10151477-G-T. GRCh37 (hg19) VCF-style: chr19-10262153-G-T.
Other names: c.2138C>A, p.Pro713Gln (NM_001318730.2, NM_001379.4); c.1823C>A, p.Pro608Gln (NM_001318731.2); short protein forms P608Q, P713Q, P729Q.
Identifiers: ClinVar variation 4753097 (VCV004753097.1).

ClinVar aggregate classification (germline): Uncertain significance (1 of 4 stars; one submission).

Conditions:
Hereditary sensory neuropathy-deafness-dementia syndrome. Also called: HSN IE; NEUROPATHY, HEREDITARY SENSORY, WITH HEARING LOSS AND DEMENTIA; Hereditary Sensory and Autonomic Neuropathy Type 1E (HSAN1E); Hereditary sensory neuropathy type IE. Identifiers: Orphanet 456318, MedGen C3279885, MONDO:0013584, OMIM 614116.

Submission:

Labcorp Genetics (formerly Invitae), Labcorp
Classification: Uncertain significance for Hereditary sensory neuropathy-deafness-dementia syndrome. Last evaluated: 2025-09-16. Review status: criteria provided, single submitter. Criteria: Invitae Variant Classification Sherloc (09022015). Collection method: clinical testing. Allele origin: germline.
Comment: This sequence change replaces proline, which is neutral and non-polar, with glutamine, which is neutral and polar, at codon 729 of the DNMT1 protein (p.Pro729Gln). This variant is not present in population databases (gnomAD no frequency). This variant has not been reported in the literature in individuals affected with DNMT1-related conditions. Invitae Evidence Modeling of protein sequence and biophysical properties (such as structural, functional, and spatial information, amino acid conservation, physicochemical variation, residue mobility, and thermodynamic stability) indicates that this missense variant is not expected to disrupt DNMT1 protein function with a negative predictive value of 80%. In summary, the available evidence is currently insufficient to determine the role of this variant in disease. Therefore, it has been classified as a Variant of Uncertain Significance.